The following is an entry in ClinVar:

NM_001943.5(DSG2):c.2839C>T (p.Pro947Ser)

Genes: DSG2 (desmoglein 2; plus strand), DSG2-AS1 (DSG2 antisense RNA 1; minus strand). Cytogenetic location: 18q12.1.
Variant type: single nucleotide variant.
Coding change: c.2839C>T on transcript NM_001943.5 (MANE Select); coding-DNA position 2839, C replaced by T.
Protein change: p.Pro947Ser; replaces proline 947 with serine.
Molecular consequence: missense variant.
Genome position (GRCh38, 1-based): chr18:31,546,225, C>T. VCF-style: chr18-31546225-C-T. GRCh37 (hg19) VCF-style: chr18-29126188-C-T.
Other names: short protein forms P947S.
Identifiers: ClinVar variation 3074926 (VCV003074926.1), dbSNP rs2073307972, ClinGen allele CA402147079.

ClinVar aggregate classification (germline): Uncertain significance (1 of 4 stars; one submission).

Conditions:
Arrhythmogenic right ventricular cardiomyopathy (ARVD). Also called: Arrhythmogenic right ventricular dysplasia; Cardiomyopathy, ARVC; Arrhythmogenic cardiomyopathy; Arrhythmogenic Right Ventricular Cardiomyopathy (ARVC). Identifiers: Orphanet 247, MedGen C0349788, MeSH D019571, MONDO:0016587. Disease mechanism: loss of function. Inheritance: Various modes of inheritance.

Allele frequency attached by ClinVar (database versions not stated): gnomAD exomes below 0.00001; TOPMed below 0.00001.
gnomAD v4.1: 3 of 1,610,616 alleles (0.00019%); highest among the groups gnomAD compares: African/African-American, 0.004%; no homozygotes.

Submission:

All of Us Research Program, National Institutes of Health
Classification: Uncertain significance for Arrhythmogenic right ventricular cardiomyopathy. Last evaluated: 2023-12-13. Review status: criteria provided, single submitter. Criteria: ACMG Guidelines, 2015. Collection method: clinical testing. Allele origin: germline. Inheritance: Autosomal dominant inheritance. Observed: 1 variant allele, 1 heterozygote.
Comment: This missense variant replaces proline with serine at codon 947 of the DSG2 protein. Computational prediction suggests that this variant may not impact protein structure and function (internally defined REVEL score threshold <= 0.5, PMID: 27666373). To our knowledge, functional studies have not been reported for this variant. This variant has not been reported in individuals affected with DSG2-related disorders in the literature. This variant has not been identified in the general population by the Genome Aggregation Database (gnomAD). The available evidence is insufficient to determine the role of this variant in disease conclusively. Therefore, this variant is classified as a Variant of Uncertain Significance.

This study involves interpretation of variants in research participants for the purpose of population health screening. Participant phenotype was not available at the time of variant classification. Additional details can be found in publication PMID: 35346344, PMCID: PMC8962531